The following is an entry in ClinVar:

NM_004656.4(BAP1):c.590G>A (p.Gly197Glu)

Gene: BAP1 (BRCA1 associated deubiquitinase 1; minus strand). Cytogenetic location: 3p21.1.
Variant type: single nucleotide variant.
Coding change: c.590G>A on transcript NM_004656.4 (MANE Select); coding-DNA position 590, G replaced by A.
Protein change: p.Gly197Glu; replaces glycine 197 with glutamic acid.
Molecular consequence: missense variant.
Genome position (GRCh38, 1-based): chr3:52,406,898, C>T on the plus strand (G>A on the coding strand, the complement: BAP1 is on the minus strand). VCF-style: chr3-52406898-C-T. GRCh37 (hg19) VCF-style: chr3-52440914-C-T.
Other names: c.590G>A, p.Gly197Glu (NM_001410772.1); short protein forms G197E.
Identifiers: ClinVar variation 3477768 (VCV003477768.1).
Genomic context (GRCh38, chr3:52,406,898, plus strand): 5'-GCGAGGCCGATACGCTCCATGATGACCCGCCGGGCCTTGTCTGTCCACTCCTCGTCCTCC[C>T]CCCAGGGCCCTAGTGGAGACCAAGACAAGGAATCAGCGAGAAGGAAACCCTGAGTTTGGG-3'
Protein context (NP_004647.1, residues 187-207): KVYPIDHGPW[Gly197Glu]EDEEWTDKAR

ClinVar aggregate classification (germline): Uncertain significance (1 of 4 stars; one submission).

Conditions:
Hereditary cancer-predisposing syndrome. Also called: Tumor predisposition; Neoplastic Syndromes, Hereditary; Hereditary neoplastic syndrome; Hereditary Cancer Syndrome. Identifiers: Orphanet 140162, MedGen C0027672, MeSH D009386, MONDO:0015356.

Submission:

Ambry Genetics
Classification: Uncertain significance for Hereditary cancer-predisposing syndrome. Last evaluated: 2024-10-23. Review status: criteria provided, single submitter. Criteria: Ambry Variant Classification Scheme 2023. Collection method: clinical testing. Allele origin: germline.
Comment: The p.G197E variant (also known as c.590G>A), located in coding exon 8 of the BAP1 gene, results from a G to A substitution at nucleotide position 590. The glycine at codon 197 is replaced by glutamic acid, an amino acid with similar properties. This amino acid position is conserved. In addition, this alteration is predicted to be tolerated by in silico analysis. Based on the available evidence, the clinical significance of this variant remains unclear.